The following is an entry in ClinVar:

ClinVar aggregate classification (germline): Likely benign. Review status: criteria provided, multiple submitters, no conflicts (2 of 4 stars). 3 submissions from 3 submitters: Likely benign (3). Last evaluated 2025-06-09.

Allele frequency attached by ClinVar (database versions not stated): ExAC 0.00083.

Submissions (3):

Mayo Clinic Laboratories, Mayo Clinic
Classification: Likely benign. Last evaluated: 2025-06-09. Review status: criteria provided, single submitter. Criteria: ACMG Guidelines, 2015. Collection method: clinical testing. Allele origin: germline. Observed: 16 variant alleles.
Comment: BS1, BS2, PP3

Blueprint Genetics
Classification: Likely benign. Last evaluated: 2024-11-26. Review status: criteria provided, single submitter. Criteria: ACMG Guidelines, 2015. Collection method: clinical testing. Allele origin: germline.

GeneDx
Classification: Likely benign. Last evaluated: 2018-08-13. Review status: criteria provided, single submitter. Criteria: GeneDx Variant Classification Process June 2021. Collection method: clinical testing. Allele origin: germline. Affected: yes.

NM_000642.3(AGL):c.959-19_959-18insATCTTTTCTTTCTTTTA

Gene: AGL (amylo-alpha-1,6-glucosidase and 4-alpha-glucanotransferase; plus strand). Cytogenetic location: 1p21.2.
Variant type: Insertion.
Coding change: c.959-19_959-18insATCTTTTCTTTCTTTTA on transcript NM_000642.3 (MANE Select); 19 bases into the intron before coding-DNA position 959 through 18 bases into the intron before coding-DNA position 959, ATCTTTTCTTTCTTTTA inserted.
Molecular consequence: intron variant.
Genome position: GRCh38 VCF-style: chr1-99874668-C-CATCTTTTCTTTCTTTTA. GRCh37 (hg19) VCF-style: chr1-100340224-C-CATCTTTTCTTTCTTTTA.
Other names: p.?; c.959-19_959-18insATCTTTTCTTTCTTTTA (NM_000643.3, NM_000644.3, NM_001425326.1 and 3 more transcripts); c.911-19_911-18insATCTTTTCTTTCTTTTA (NM_000646.3); c.755-19_755-18insATCTTTTCTTTCTTTTA (NM_001425328.1, NM_001425329.1); c.581-19_581-18insATCTTTTCTTTCTTTTA (NM_001425332.1).
Identifiers: ClinVar variation 1180950 (VCV001180950.4), dbSNP rs761998241, ClinGen allele CA966333.